The following is an entry in ClinVar:

ClinVar aggregate classification (germline): Uncertain significance (1 of 4 stars; one submission).

Conditions:
Inborn genetic diseases. Identifiers: MedGen C0950123, MeSH D030342.

Submission:

Ambry Genetics
Classification: Uncertain significance for Inborn genetic diseases. Last evaluated: 2026-09-06. Review status: criteria provided, single submitter. Criteria: Ambry Variant Classification Scheme 2023. Collection method: clinical testing. Allele origin: germline.
Comment: The p.H623R variant (also known as c.1868A>G), located in coding exon 15 of the BUB1B gene, results from an A to G substitution at nucleotide position 1868. The histidine at codon 623 is replaced by arginine, an amino acid with highly similar properties. This amino acid position is conserved. In addition, this alteration is predicted to be tolerated by in silico analysis. Based on the available evidence, the clinical significance of this variant remains unclear.

NM_001211.6(BUB1B):c.1868A>G (p.His623Arg)

Gene: BUB1B (BUB1 mitotic checkpoint serine/threonine kinase B; plus strand). Cytogenetic location: 15q15.1.
Variant type: single nucleotide variant.
Coding change: c.1868A>G on transcript NM_001211.6 (MANE Select); coding-DNA position 1868, A replaced by G.
Protein change: p.His623Arg; replaces histidine 623 with arginine.
Molecular consequence: missense variant.
Genome position (GRCh38, 1-based): chr15:40,206,317, A>G. VCF-style: chr15-40206317-A-G. GRCh37 (hg19) VCF-style: chr15-40498518-A-G.
Other names: short protein forms H623R.
Identifiers: ClinVar variation 2491868 (VCV002491868.3), dbSNP rs2542564862, ClinGen allele CA391692568.